The following is an entry in ClinVar:

NC_000003.11:g.(?_100958882)_(100962584_?)del

Gene: IMPG2 (interphotoreceptor matrix proteoglycan 2; minus strand). Cytogenetic location: 3q12.3.
Variant type: Deletion.
Identifiers: ClinVar variation 2426287 (VCV002426287.4).

ClinVar aggregate classification (germline): Likely pathogenic (1 of 4 stars; one submission).

Submission:

Labcorp Genetics (formerly Invitae), Labcorp
Classification: Likely pathogenic. Last evaluated: 2022-08-01. Review status: criteria provided, single submitter. Criteria: Invitae Variant Classification Sherloc (09022015). Collection method: clinical testing. Allele origin: germline.
Comment: This variant results in the deletion of exon 14 and part of exon 13 (c.2591_3022+2650delinsAC) of the IMPG2 gene. It is expected to disrupt RNA splicing. Variants that disrupt the donor or acceptor splice site typically lead to a loss of protein function (PMID: 16199547), and loss-of-function variants in IMPG2 are known to be pathogenic (PMID: 20673862). In summary, the currently available evidence indicates that the variant is pathogenic, but additional data are needed to prove that conclusively. Therefore, this variant has been classified as Likely Pathogenic. This variant disrupts a region of the IMPG2 protein in which other variant(s) (p.Asp1004Val) have been observed in individuals with IMPG2-related conditions (Invitae). This suggests that this is a clinically significant region of the protein, and that variants that disrupt it are likely to be disease-causing. This variant has not been reported in the literature in individuals affected with IMPG2-related conditions.

Literature cited by the submitters: PubMed 16199547; PubMed 20673862.